The following is an entry in ClinVar:

NM_005733.3(KIF20A):c.1207G>A (p.Glu403Lys)

Gene: KIF20A (kinesin family member 20A; plus strand). Cytogenetic location: 5q31.2.
Variant type: single nucleotide variant.
Coding change: c.1207G>A on transcript NM_005733.3 (MANE Select); coding-DNA position 1207, G replaced by A.
Protein change: p.Glu403Lys; replaces glutamic acid 403 with lysine.
Molecular consequence: missense variant.
Genome position (GRCh38, 1-based): chr5:138,183,755, G>A. VCF-style: chr5-138183755-G-A. GRCh37 (hg19) VCF-style: chr5-137519444-G-A.
Other names: c.1207G>A (NM_005733.2); short protein forms E403K.
Identifiers: ClinVar variation 1382903 (VCV001382903.7), dbSNP rs533589379, ClinGen allele CA3426535.
Genomic context (GRCh38, chr5:138,183,755, plus strand): 5'-ATCTTCTCAATCAGGATCCTACACCTTCAGGGGGAAGGAGATATAGTCCCCAAGATCAGC[G>A]AGTAAGTTTATCCATTTAGAAATTTGGGCTTCTTGGCCATAAATGATAGTTGGGAAAGCA-3'
Protein context (NP_005724.1, residues 393-413): GEGDIVPKIS[Glu403Lys]LSLCDLAGSE

ClinVar aggregate classification (germline): Uncertain significance. Review status: criteria provided, multiple submitters, no conflicts (2 of 4 stars). 2 submissions from 2 submitters: Uncertain significance (2). Last evaluated 2025-08-24.

Allele frequency attached by ClinVar (database versions not stated): gnomAD 0.00001; gnomAD exomes 0.00001 and 0.00002; TOPMed 0.00001; ExAC 0.00003.

Submissions (2):

Labcorp Genetics (formerly Invitae), Labcorp
Classification: Uncertain significance. Last evaluated: 2025-08-24. Review status: criteria provided, single submitter. Criteria: Invitae Variant Classification Sherloc (09022015). Collection method: clinical testing. Allele origin: germline.
Comment: This sequence change replaces glutamic acid, which is acidic and polar, with lysine, which is basic and polar, at codon 403 of the KIF20A protein (p.Glu403Lys). This variant is present in population databases (rs533589379, gnomAD 0.004%). This variant has not been reported in the literature in individuals affected with KIF20A-related conditions. ClinVar contains an entry for this variant (Variation ID: 1382903). An algorithm developed to predict the effect of missense changes on protein structure and function (PolyPhen-2) suggests that this variant is likely to be disruptive. In summary, the available evidence is currently insufficient to determine the role of this variant in disease. Therefore, it has been classified as a Variant of Uncertain Significance.

Ambry Genetics
Classification: Uncertain significance. Last evaluated: 2022-01-31. Review status: criteria provided, single submitter. Criteria: Ambry Variant Classification Scheme 2023. Collection method: clinical testing. Allele origin: germline.